The following is an entry in ClinVar:

ClinVar aggregate classification (germline): Uncertain significance (1 of 4 stars; one submission).

Conditions:
Episodic ataxia type 1 (EA1). Also called: MYOKYMIA WITH PERIODIC ATAXIA; PAROXYSMAL ATAXIA WITH NEUROMYOTONIA, HEREDITARY; ATAXIA, EPISODIC, WITH MYOKYMIA; Episodic ataxia/myokymia syndrome. Identifiers: Orphanet 37612, Orphanet 972, MedGen C1719788, MONDO:0008047, OMIM 160120.

Submission:

Labcorp Genetics (formerly Invitae), Labcorp
Classification: Uncertain significance for Episodic ataxia type 1. Last evaluated: 2023-01-22. Review status: criteria provided, single submitter. Criteria: Invitae Variant Classification Sherloc (09022015). Collection method: clinical testing. Allele origin: germline.
Comment: This sequence change replaces serine, which is neutral and polar, with threonine, which is neutral and polar, at codon 114 of the KCNA1 protein (p.Ser114Thr). This variant is not present in population databases (gnomAD no frequency). This variant has not been reported in the literature in individuals affected with KCNA1-related conditions. Advanced modeling of protein sequence and biophysical properties (such as structural, functional, and spatial information, amino acid conservation, physicochemical variation, residue mobility, and thermodynamic stability) performed at Invitae indicates that this missense variant is not expected to disrupt KCNA1 protein function. In summary, the available evidence is currently insufficient to determine the role of this variant in disease. Therefore, it has been classified as a Variant of Uncertain Significance.

NM_000217.3(KCNA1):c.340T>A (p.Ser114Thr)

Gene: KCNA1 (potassium voltage-gated channel subfamily A member 1; plus strand). Cytogenetic location: 12p13.32.
Variant type: single nucleotide variant.
Coding change: c.340T>A on transcript NM_000217.3 (MANE Select); coding-DNA position 340, T replaced by A.
Protein change: p.Ser114Thr; replaces serine 114 with threonine.
Molecular consequence: missense variant.
Genome position (GRCh38, 1-based): chr12:4,911,718, T>A. VCF-style: chr12-4911718-T-A. GRCh37 (hg19) VCF-style: chr12-5020884-T-A.
Other names: short protein forms S114T.
Identifiers: ClinVar variation 1984072 (VCV001984072.4), dbSNP rs1947352736, ClinGen allele CA383454335.